The following is an entry in ClinVar:

ClinVar aggregate classification (germline): Uncertain significance (1 of 4 stars; one submission).

Submission:

Labcorp Genetics (formerly Invitae), Labcorp
Classification: Uncertain significance. Last evaluated: 2025-04-17. Review status: criteria provided, single submitter. Criteria: Invitae Variant Classification Sherloc (09022015). Collection method: clinical testing. Allele origin: germline.
Comment: This sequence change replaces proline, which is neutral and non-polar, with leucine, which is neutral and non-polar, at codon 440 of the NFE2L2 protein (p.Pro440Leu). This variant is not present in population databases (gnomAD no frequency). This variant has not been reported in the literature in individuals affected with NFE2L2-related conditions. Invitae Evidence Modeling of protein sequence and biophysical properties (such as structural, functional, and spatial information, amino acid conservation, physicochemical variation, residue mobility, and thermodynamic stability) indicates that this missense variant is not expected to disrupt NFE2L2 protein function with a negative predictive value of 80%. In summary, the available evidence is currently insufficient to determine the role of this variant in disease. Therefore, it has been classified as a Variant of Uncertain Significance.

NM_006164.5(NFE2L2):c.1319C>T (p.Pro440Leu)

Gene: NFE2L2 (NFE2 like bZIP transcription factor 2; minus strand). Cytogenetic location: 2q31.2.
Variant type: single nucleotide variant.
Coding change: c.1319C>T on transcript NM_006164.5 (MANE Select); coding-DNA position 1319, C replaced by T.
Protein change: p.Pro440Leu; replaces proline 440 with leucine.
Molecular consequence: missense variant.
Genome position (GRCh38, 1-based): chr2:177,231,284, G>A on the plus strand (C>T on the coding strand, the complement: NFE2L2 is on the minus strand). VCF-style: chr2-177231284-G-A. GRCh37 (hg19) VCF-style: chr2-178096012-G-A.
Other names: c.1271C>T, p.Pro424Leu (NM_001145412.3, NM_001313900.1, NM_001313901.1); c.1250C>T, p.Pro417Leu (NM_001145413.3); c.1229C>T, p.Pro410Leu (NM_001313902.2); c.1100C>T, p.Pro367Leu (NM_001313903.2); c.1019C>T, p.Pro340Leu (NM_001313904.1); short protein forms P340L, P367L, P410L, P417L, P424L, P440L.
Identifiers: ClinVar variation 4805227 (VCV004805227.1).